The following is an entry in ClinVar:

ClinVar aggregate classification (germline): Uncertain significance (1 of 4 stars; one submission).

Submission:

Ambry Genetics
Classification: Uncertain significance. Last evaluated: 2024-05-04. Review status: criteria provided, single submitter. Criteria: Ambry Variant Classification Scheme 2023. Collection method: clinical testing. Allele origin: germline.
Comment: The p.N80S variant (also known as c.239A>G), located in coding exon 1 of the MNDA gene, results from an A to G substitution at nucleotide position 239. The asparagine at codon 80 is replaced by serine, an amino acid with highly similar properties. This amino acid position is conserved. In addition, this alteration is predicted to be tolerated by in silico analysis. Based on the available evidence, the clinical significance of this variant remains unclear.

NM_002432.3(MNDA):c.239A>G (p.Asn80Ser)

Gene: MNDA (myeloid cell nuclear differentiation antigen; plus strand). Cytogenetic location: 1q23.1.
Variant type: single nucleotide variant.
Coding change: c.239A>G on transcript NM_002432.3 (MANE Select); coding-DNA position 239, A replaced by G.
Protein change: p.Asn80Ser; replaces asparagine 80 with serine.
Molecular consequence: missense variant.
Genome position (GRCh38, 1-based): chr1:158,842,392, A>G. VCF-style: chr1-158842392-A-G. GRCh37 (hg19) VCF-style: chr1-158812182-A-G.
Other names: short protein forms N80S.
Identifiers: ClinVar variation 3295445 (VCV003295445.1).
Genomic context (GRCh38, chr1:158,842,392, plus strand): 5'-CCTGTCTAGACAAACTAATAGAACTTGCCAAAGATATGCCATCACTTAAAAACCTTGTTA[A>G]CAATCTTCGAAAAGAGAAGTCAAAAGGTAATAGAGAAAACCTTGCACATAGCTACTCTGC-3'
Protein context (NP_002423.1, residues 70-90): KDMPSLKNLV[Asn80Ser]NLRKEKSKVA